The following is an entry in ClinVar:

NM_017934.7(PHIP):c.5015A>G (p.Glu1672Gly)

Genes: IRAK1BP1 (interleukin 1 receptor associated kinase 1 binding protein 1; plus strand), PHIP (PHIP subunit of CUL4-Ring ligase complex; minus strand). Cytogenetic location: 6q14.1.
Variant type: single nucleotide variant.
Coding change: c.5015A>G on transcript NM_017934.7 (MANE Select); coding-DNA position 5015, A replaced by G.
Protein change: p.Glu1672Gly; replaces glutamic acid 1672 with glycine.
Molecular consequence: missense variant.
Genome position (GRCh38, 1-based): chr6:78,941,144, T>C on the plus strand (A>G on the coding strand, the complement: PHIP is on the minus strand). VCF-style: chr6-78941144-T-C. GRCh37 (hg19) VCF-style: chr6-79650861-T-C.
Other names: short protein forms E1672G.
Identifiers: ClinVar variation 4995822 (VCV004995822.1).
Genomic context (GRCh38, chr6:78,941,144, plus strand): 5'-CATGTTGAAGAAGGAAGTACTTCATCTCTGATGGGATGCACATTATTTTGCTCTAAATCT[T>C]CTGGCTTTGCATACTGTAGCTTTTTGGGCTTTCTACCCCTTTTCTTGTGTATAATTTCAC-3'
Protein context (NP_060404.4, residues 1662-1682): KPKKLQYAKP[Glu1672Gly]DLEQNNVHPI

ClinVar aggregate classification (germline): Uncertain significance (1 of 4 stars; one submission).

Conditions:
PHIP-related disorder. Also called: PHIP-related disorders; PHIP-related condition.

gnomAD v4.1: 1 of 1,614,052 alleles (0.000062%); highest among the groups gnomAD compares: Non-Finnish European, 0.000085%; no homozygotes.

Submission:

PreventionGenetics, part of Exact Sciences
Classification: Uncertain significance for PHIP-related condition. Last evaluated: 2026-07-22. Review status: criteria provided, single submitter. Criteria: ACMG Guidelines, 2015. Collection method: clinical testing. Allele origin: germline.
Comment: The PHIP c.5015A>G variant is predicted to result in the amino acid substitution p.Glu1672Gly. To our knowledge, this variant has not been reported in the literature or in a large population database (gnomAD), indicating this variant is rare. At this time, the clinical significance of this variant is uncertain due to the absence of conclusive functional and genetic evidence.